The following is an entry in ClinVar:

ClinVar aggregate classification (germline): Conflicting classifications of pathogenicity. Review status: criteria provided, conflicting classifications (1 of 4 stars). 2 submissions from 2 submitters: Uncertain significance (1); Likely benign (1). Last evaluated 2025-05-21.

Conditions:
Hereditary cancer-predisposing syndrome. Also called: Tumor predisposition; Hereditary neoplastic syndrome; Hereditary Cancer Syndrome; Neoplastic Syndromes, Hereditary. Identifiers: Orphanet 140162, MedGen C0027672, MeSH D009386, MONDO:0015356.

Submissions (2):

Ambry Genetics
Classification: Uncertain significance for Hereditary cancer-predisposing syndrome. Last evaluated: 2025-05-21. Review status: criteria provided, single submitter. Criteria: Ambry Variant Classification Scheme 2023. Collection method: clinical testing. Allele origin: germline.
Comment: The c.3582+2_3582+3dupTG intronic variant is located 2 nucleotide(s) after coding exon 29 in the POLE gene. This variant results from a duplication of two nucleotides at positions c.3582+2 to c.3582+3. This variant does not change the sequence of the canonical donor at this splice site. This nucleotide region is conserved in available vertebrate species. In silico splice site analysis for this alteration is inconclusive. Based on the available evidence, the clinical significance of this variant remains unclear.

Labcorp Genetics (formerly Invitae), Labcorp
Classification: Likely benign. Last evaluated: 2024-12-16. Review status: criteria provided, single submitter. Criteria: Invitae Variant Classification Sherloc (09022015). Collection method: clinical testing. Allele origin: germline.

NM_006231.4(POLE):c.3582+2_3582+3dup

Gene: POLE (DNA polymerase epsilon, catalytic subunit; minus strand). Cytogenetic location: 12q24.33.
Variant type: Duplication.
Coding change: c.3582+2_3582+3dup on transcript NM_006231.4 (MANE Select); the canonical splice donor site of the intron after coding-DNA position 3582 through 3 bases into the intron after coding-DNA position 3582, 2 bases duplicated (TG; older notation c.3582+2_3582+3dupTG).
Molecular consequence: splice donor variant.
Genome position (GRCh38, 1-based): chr12:132,657,133-132,657,134, CA duplicated on the plus strand (TG on the coding strand, the reverse complement: POLE is on the minus strand); duplicating any 2 consecutive bases within chr12:132,657,133-132,657,135 gives the same sequence; the c. name uses the placement nearest the transcript's 3' end. VCF-style (leftmost placement, unchanged base first): chr12-132657132-T-TCA. GRCh37 (hg19) VCF-style: chr12-133233718-T-TCA.
Other names: c.3582+2_3582+3dupTG (NM_006231.2).
Identifiers: ClinVar variation 1052038 (VCV001052038.8), dbSNP rs1428321806, ClinGen allele CA608514203.